The following is an entry in ClinVar:

ClinVar aggregate classification (germline): Pathogenic (0 of 4 stars; one submission).

Conditions:
Holoprosencephaly 3 (HPE3). Identifiers: Orphanet 2162, MedGen C1840529, MONDO:0007733, OMIM 142945.

Submission:

GeneReviews
Classification: Pathogenic for Holoprosencephaly. Last evaluated: 2013-08-29. Review status: no assertion criteria provided. Collection method: curation. Allele origin: unknown.
ClinVar note: Converted during submission from pathologic to Pathogenic.

NM_000193.4(SHH):c.300G>C (p.Gln100His)

Gene: SHH (sonic hedgehog signaling molecule; minus strand). Cytogenetic location: 7q36.3.
Variant type: single nucleotide variant.
Coding change: c.300G>C on transcript NM_000193.4 (MANE Select); coding-DNA position 300, G replaced by C.
Protein change: p.Gln100His; replaces glutamine 100 with histidine.
Molecular consequence: missense variant.
Genome position (GRCh38, 1-based): chr7:155,811,823, C>G on the plus strand (G>C on the coding strand, the complement: SHH is on the minus strand). VCF-style: chr7-155811823-C-G. GRCh37 (hg19) VCF-style: chr7-155604517-C-G.
Other names: c.300G>C; short protein forms Q100H.
Identifiers: ClinVar variation 65860 (VCV000065860.2), dbSNP rs587778792, ClinGen allele CA345190.
Genomic context (GRCh38, chr7:155,811,823, plus strand): 5'-TCGGCTTCTCGTAACCCCCTGGAAAGCCACACATTCCACGCCCCGGCGCTGGGTTCCTAC[C>G]TGAGTCATCAGCCTGTCCGCTCCGGTGTTTTCTTCATCCTTAAATATGATGTCGGGGTTG-3'
Protein context (NP_000184.1, residues 90-110): ENTGADRLMT[Gln100His]RCKDKLNALA